The following is an entry in ClinVar:

NM_001244008.2(KIF1A):c.4805C>T (p.Thr1602Ile)

Gene: KIF1A (kinesin family member 1A; minus strand). Cytogenetic location: 2q37.3.
Variant type: single nucleotide variant.
Coding change: c.4805C>T on transcript NM_001244008.2 (MANE Select); coding-DNA position 4805, C replaced by T.
Protein change: p.Thr1602Ile; replaces threonine 1602 with isoleucine.
Molecular consequence: missense variant.
Genome position (GRCh38, 1-based): chr2:240,720,977, G>A on the plus strand (C>T on the coding strand, the complement: KIF1A is on the minus strand). VCF-style: chr2-240720977-G-A. GRCh37 (hg19) VCF-style: chr2-241660394-G-A.
Other names: c.4529C>T, p.Thr1510Ile (NM_001320705.2, NM_001379649.1); c.4556C>T, p.Thr1519Ile (NM_001330289.2); c.4604C>T, p.Thr1535Ile (NM_001330290.2, NM_001379648.1); c.4880C>T, p.Thr1627Ile (NM_001379631.1); c.4781C>T, p.Thr1594Ile (NM_001379632.1); c.4778C>T, p.Thr1593Ile (NM_001379633.1, NM_001379645.1); c.4631C>T, p.Thr1544Ile (NM_001379634.1); c.4628C>T, p.Thr1543Ile (NM_001379635.1, NM_001379646.1); and 7 more; short protein forms T1500I, T1501I, T1509I, T1510I, T1518I, T1519I, T1526I, T1535I.
Identifiers: ClinVar variation 3369205 (VCV003369205.1).
Genomic context (GRCh38, chr2:240,720,977, plus strand): 5'-AGGTCAGTGGCACCGTACCGCCCTTCAACCAGAGAGGGGCAAGTGGAGGAGGGGGTGAGA[G>A]TGGCCACCCCTAGAGGGGACATCGACGGGTCCCGGAGCAGGGTGACAGACATCTCGGAGA-3'
Protein context (NP_001230937.1, residues 1592-1612): DPSMSPLGVA[Thr1602Ile]LTPSSTCPSL

ClinVar aggregate classification (germline): Uncertain significance (1 of 4 stars; one submission).

gnomAD v4.1: 1 of 1,607,730 alleles (0.000062%); no homozygotes.

Submission:

GeneDx
Classification: Uncertain significance. Last evaluated: 2024-02-14. Review status: criteria provided, single submitter. Criteria: GeneDx Variant Classification Process June 2021. Collection method: clinical testing. Allele origin: germline. Affected: yes.
Comment: Not observed at significant frequency in large population cohorts (gnomAD); In silico analysis supports that this missense variant has a deleterious effect on protein structure/function; Has not been previously published as pathogenic or benign to our knowledge